The following is an entry in ClinVar:

NM_198576.4(AGRN):c.5328TGC[4] (p.Ala1779dup)

Gene: AGRN (agrin; plus strand). Cytogenetic location: 1p36.33.
Variant type: Microsatellite.
Coding change: c.5328TGC[4] on transcript NM_198576.4 (MANE Select); four copies in a row of the 3-base unit TGC starting at c.5328; the reference has three copies in a row; one copy, 3 bases duplicated.
Protein change: p.Ala1779dup; duplicates alanine 1779.
Molecular consequence: inframe insertion.
Genome position (GRCh38, 1-based): chr1:1,051,333-1,051,335, TGC duplicated; duplicating any 3 consecutive bases within chr1:1,051,327-1,051,335 gives the same sequence; the position shown is the placement nearest the transcript's 3' end. VCF-style (leftmost placement, unchanged base first): chr1-1051326-G-GTGC. GRCh37 (hg19) VCF-style: chr1-986706-G-GTGC.
Other names: c.5340TGC[4], p.Ala1783dup (NM_001305275.2); c.5025TGC[4], p.Ala1678dup (NM_001364727.2).
Identifiers: ClinVar variation 849091 (VCV000849091.10), dbSNP rs1645281090, ClinGen allele CA916080219.

ClinVar aggregate classification (germline): Uncertain significance (1 of 4 stars; one submission).

Conditions:
Congenital myasthenic syndrome 8. Also called: MYASTHENIC SYNDROME, CONGENITAL, DUE TO AGRIN DEFICIENCY; Myasthenic syndrome, congenital, 8, with pre- and postsynaptic defects. Identifiers: Orphanet 590, MedGen C3808739, MONDO:0014052, OMIM 615120.

Submission:

Labcorp Genetics (formerly Invitae), Labcorp
Classification: Uncertain significance for Congenital myasthenic syndrome 8. Last evaluated: 2019-12-23. Review status: criteria provided, single submitter. Criteria: Invitae Variant Classification Sherloc (09022015). Collection method: clinical testing. Allele origin: germline.
Comment: This variant has not been reported in the literature in individuals with AGRN-related conditions. This variant is not present in population databases (ExAC no frequency). This variant, c.5334_5336dup, results in the insertion of 1 amino acid(s) to the AGRN protein (p.Ala1779dup), but otherwise preserves the integrity of the reading frame. In summary, the available evidence is currently insufficient to determine the role of this variant in disease. Therefore, it has been classified as a Variant of Uncertain Significance. Experimental studies and prediction algorithms are not available or were not evaluated, and the functional significance of this variant is currently unknown.